The following is an entry in ClinVar:

NM_001040716.2(PC):c.3171G>A (p.Thr1057=)

Gene: PC (pyruvate carboxylase; minus strand). Cytogenetic location: 11q13.2.
Variant type: single nucleotide variant.
Coding change: c.3171G>A on transcript NM_001040716.2 (MANE Select); coding-DNA position 3171, G replaced by A.
Protein change: p.Thr1057=; no amino-acid change (threonine 1057 retained).
Molecular consequence: synonymous variant.
Genome position (GRCh38, 1-based): chr11:66,849,347, C>T on the plus strand (G>A on the coding strand, the complement: PC is on the minus strand). VCF-style: chr11-66849347-C-T. GRCh37 (hg19) VCF-style: chr11-66616818-C-T.
Other names: c.3171G>A, p.Thr1057= (NM_022172.3, NM_000920.4); c.3171G>A (NM_001040716.1).
Identifiers: ClinVar variation 388274 (VCV000388274.15), dbSNP rs147550265, ClinGen allele CA6130871.

ClinVar aggregate classification (germline): Likely benign. Review status: criteria provided, multiple submitters, no conflicts (2 of 4 stars). 3 submissions from 3 submitters: Likely benign (2). 1 of the submissions does not count toward it. Last evaluated 2025-01-08.

Conditions:
PC-related disorder. Also called: PC-related condition.
Pyruvate carboxylase deficiency. Also called: Pyruvate Carboxylase Deficiency Disease; ATAXIA WITH LACTIC ACIDOSIS II; LEIGH NECROTIZING ENCEPHALOPATHY DUE TO PYRUVATE CARBOXYLASE DEFICIENCY; LEIGH SYNDROME DUE TO PYRUVATE CARBOXYLASE DEFICIENCY; PC DEFICIENCY. Identifiers: Orphanet 3008, MedGen C0034341, MONDO:0009949, OMIM 266150.

Allele frequency attached by ClinVar (database versions not stated): gnomAD exomes 0.00003 and 0.00004; TOPMed 0.00003; gnomAD 0.00005 and 0.00006; ExAC 0.00006; ESP Exome Variant Server 0.00008; 1000 Genomes Project 30x 0.00031; 1000 Genomes Project 0.00040.
gnomAD v4.1: 61 of 1,613,120 alleles (0.0038%); highest among the groups gnomAD compares: Non-Finnish European, 0.0046%; no homozygotes.

Submissions (3):

Labcorp Genetics (formerly Invitae), Labcorp
Classification: Likely benign for Pyruvate carboxylase deficiency. Last evaluated: 2025-01-08. Review status: criteria provided, single submitter. Criteria: Invitae Variant Classification Sherloc (09022015). Collection method: clinical testing. Allele origin: germline.

GeneDx
Classification: Likely benign. Last evaluated: 2020-02-18. Review status: criteria provided, single submitter. Criteria: GeneDx Variant Classification Process June 2021. Collection method: clinical testing. Allele origin: germline. Affected: yes.

PreventionGenetics, part of Exact Sciences
Classification: Likely benign for PC-related condition. Last evaluated: 2019-06-10. Review status: no assertion criteria provided. Collection method: clinical testing. Allele origin: germline. Not counted in ClinVar's aggregate classification.
Comment: This variant is classified as likely benign based on ACMG/AMP sequence variant interpretation guidelines (Richards et al. 2015 PMID: 25741868, with internal and published modifications).